The following is an entry in ClinVar:

NM_001122630.2(CDKN1C):c.542del (p.Pro181fs)

Gene: CDKN1C (cyclin dependent kinase inhibitor 1C; minus strand). Cytogenetic location: 11p15.4.
Variant type: Deletion.
Coding change: c.542del on transcript NM_001122630.2 (MANE Select); coding-DNA position 542, one base deleted (C; older notation c.542delC).
Protein change: p.Pro181fs; shifts the reading frame from proline 181.
Molecular consequence: frameshift variant. On other transcripts: intron variant (1).
Genome position (GRCh38, 1-based): chr11:2,884,915, G deleted on the plus strand (C on the coding strand, the reverse complement: CDKN1C is on the minus strand); the first of 4 consecutive G bases (chr11:2,884,915-2,884,918); deleting any one gives the same sequence. VCF-style (leftmost placement, unchanged base first): chr11-2884914-CG-C. GRCh37 (hg19) VCF-style: chr11-2906144-CG-C.
Other names: c.575del, p.Pro192fs (NM_000076.2, NM_001362474.2); c.542del, p.Pro181fs (NM_001122631.2); c.255+287del (NM_001362475.2); short protein forms P181fs, P192fs.
Identifiers: ClinVar variation 2779052 (VCV002779052.3), dbSNP rs2494386494, ClinGen allele CA2739276084.

ClinVar aggregate classification (germline): Pathogenic (1 of 4 stars; one submission).

Conditions:
Beckwith-Wiedemann syndrome (BWS). Also called: EMG SYNDROME; Exomphalos macroglossia gigantism syndrome. Identifiers: Orphanet 116, MedGen C0004903, MONDO:0007534, OMIM 130650.

Submission:

Labcorp Genetics (formerly Invitae), Labcorp
Classification: Pathogenic for Beckwith-Wiedemann syndrome. Last evaluated: 2023-01-16. Review status: criteria provided, single submitter. Criteria: Invitae Variant Classification Sherloc (09022015). Collection method: clinical testing. Allele origin: germline.
Comment: The frequency data for this variant in the population databases is considered unreliable, as metrics indicate insufficient coverage at this position in the gnomAD database. This variant has not been reported in the literature in individuals affected with CDKN1C-related conditions. For these reasons, this variant has been classified as Pathogenic. This sequence change creates a premature translational stop signal (p.Pro192Argfs*80) in the CDKN1C gene. It is expected to result in an absent or disrupted protein product. Loss-of-function variants in CDKN1C are known to be pathogenic (PMID: 20503313).

Literature cited by the submitters: PubMed 20503313.